The following is an entry in ClinVar:

ClinVar aggregate classification (germline): Uncertain significance (1 of 4 stars; one submission).

Conditions:
GNE myopathy (NM). Also called: NONAKA DISTAL MYOPATHY; INCLUSION BODY MYOPATHY, HEREDITARY, AUTOSOMAL RECESSIVE; INCLUSION BODY MYOPATHY 2, AUTOSOMAL RECESSIVE; MYOPATHY, DISTAL, WITH OR WITHOUT RIMMED VACUOLES; IBM 2; Inclusion body myopathy autosomal recessive. Identifiers: Orphanet 602, MedGen C1853926, MONDO:0011603, OMIM 605820.
Sialuria. Also called: SIALURIA, FRENCH TYPE; Sialic Acid Storage Disease. Identifiers: Orphanet 3166, MedGen C0342853, MONDO:0010028, OMIM 269921.

Submission:

Labcorp Genetics (formerly Invitae), Labcorp
Classification: Uncertain significance for Sialuria; GNE myopathy. Last evaluated: 2022-09-20. Review status: criteria provided, single submitter. Criteria: Invitae Variant Classification Sherloc (09022015). Collection method: clinical testing. Allele origin: germline.
Comment: This variant has not been reported in the literature in individuals affected with GNE-related conditions. Algorithms developed to predict the effect of sequence changes on RNA splicing suggest that this variant may disrupt the consensus splice site. In summary, the available evidence is currently insufficient to determine the role of this variant in disease. Therefore, it has been classified as a Variant of Uncertain Significance. This variant is not present in population databases (gnomAD no frequency). This sequence change falls in intron 9 of the GNE gene. It does not directly change the encoded amino acid sequence of the GNE protein.

NM_005476.7(GNE):c.1634-13T>G

Gene: GNE (glucosamine (UDP-N-acetyl)-2-epimerase/N-acetylmannosamine kinase; minus strand). Cytogenetic location: 9p13.3.
Variant type: single nucleotide variant.
Coding change: c.1634-13T>G on transcript NM_005476.7 (MANE Select); 13 bases into the intron before coding-DNA position 1634, T replaced by G.
Molecular consequence: intron variant.
Genome position (GRCh38, 1-based): chr9:36,220,033, A>C on the plus strand (T>G on the coding strand, the complement: GNE is on the minus strand). VCF-style: chr9-36220033-A-C. GRCh37 (hg19) VCF-style: chr9-36220030-A-C.
Other names: c.1457-13T>G (NM_001190388.2, NM_001374798.1); c.1727-13T>G (NM_001128227.3); c.1304-13T>G (NM_001190384.3); c.1481-13T>G (NM_001374797.1); c.1412-13T>G (NM_001190383.3).
Identifiers: ClinVar variation 2031359 (VCV002031359.4), dbSNP rs375600956, ClinGen allele CA2580080490.
Genomic context (GRCh38, chr9:36,220,033, plus strand): 5'-AGCTTCCGTGGATCAATTCATGCTGATGGATAATTCCACCACCGATTCCTACAGCGAGGG[A>C]TAGAAATCACTGAGGGTGCTTTACCTGAAACAGAAAACTATGATATCACAACGCCTCATC-3'